The following is an entry in ClinVar:

ClinVar aggregate classification (germline): Pathogenic. Review status: criteria provided, multiple submitters, no conflicts (2 of 4 stars). 13 submissions from 13 submitters: Pathogenic (10). 3 of the submissions do not count toward it. Last evaluated 2026-01-12.

Conditions:
Inborn genetic diseases. Identifiers: MedGen C0950123, MeSH D030342.
Neurodevelopmental disorder with absent language and variable seizures. Also called: ITO-RAYMOND SYNDROME. Identifiers: MedGen C5231469, MONDO:0032876, OMIM 618707.
Intellectual disability. Also called: Intellectual functioning disability; intellectual disabilities; Intellectual developmental disorder. Identifiers: MedGen C3714756, MeSH D008607, MONDO:0001071, HP:0001249.

Submissions (13):

3billion
Classification: Pathogenic for Neurodevelopmental disorder with absent language and variable seizures. Last evaluated: 2026-01-12. Review status: criteria provided, single submitter. Criteria: ACMG Guidelines, 2015. Collection method: clinical testing. Allele origin: germline. Affected: yes.
Comment: The variant is not observed in the gnomAD v4.1.0 dataset. Predicted Consequence/Location: Stop-gained (nonsense): predicted to result in a loss or disruption of normal protein function through protein truncation. Multiple pathogenic variants are reported in the predicted truncated region. The variant has been reported at least twice as pathogenic with clinical assertions and evidence for the classification (ClinVar ID: VCV000561980). Therefore, this variant is classified as Pathogenic according to the recommendation of ACMG/AMP guideline.

Ambry Genetics
Classification: Pathogenic for Inborn genetic diseases. Last evaluated: 2025-03-14. Review status: criteria provided, single submitter. Criteria: Ambry Variant Classification Scheme 2023. Collection method: clinical testing. Allele origin: germline.
Comment: The c.1516C>T (p.R506*) alteration, located in exon 10 (coding exon 7) of the WASF1 gene, consists of a C to T substitution at nucleotide position 1516. This changes the amino acid from a arginine (R) to a stop codon at amino acid position 506. This alteration occurs at the 3' terminus of the WASF1 gene and is not expected to trigger nonsense-mediated mRNA decay. This variant was not reported in population-based cohorts in the Genome Aggregation Database (gnomAD). This variant was determined to be de novo in multiple individuals with features consistent with WASF1-related neurodevelopmental disorder (Ito, 2018; Yamamoto, 2021; Srivastava, 2021; Tang, 2023). Based on the available evidence, this alteration is classified as pathogenic.

Victorian Clinical Genetics Services, Murdoch Childrens Research Institute
Classification: Pathogenic for Neurodevelopmental disorder with absent language and variable seizures. Last evaluated: 2024-10-10. Review status: criteria provided, single submitter. Criteria: ACMG Guidelines, 2015. Collection method: clinical testing. Allele origin: germline. Inheritance: Autosomal dominant inheritance. Affected: yes.
Comment: Based on the classification scheme VCGS_Germline_v1.1.1, this variant is classified as Pathogenic. Following criteria are met: 0102 - Loss-of-function is a known mechanism of disease for this gene. (N) 0107 - This gene is known to be associated with autosomal dominant disease. (N) 0205 - Variant is predicted to result in a truncated protein with less than 1/3 of the protein affected (exon 10 of 11). (P) 0251 - Variant is heterozygous. (N) 0301 - Variant is absent from gnomAD. (P) 0703 - Comparable variants have moderate previous evidence for pathogenicity. Two other variants predicted to cause a truncated protein have been reported as pathogenic (ClinVar, PMID: 29961568). (P) 0801 - Strong previous evidence of pathogenicity in unrelated individuals. The variant has been previously reported in patients with intellectual disability (ClinVar, PMID: 29961568). (P) 0905 - No segregation evidence has been identified for this variant. (N) 1001 - Strong functional evidence supporting abnormal protein function. Functional studies using fibroblast cells from two affected individuals showed a truncated WASF1 and a defect in actin remodeling (PMID: 29961568). (P) Legend: (P) - Pathogenic, (N) - Neutral, (B) - Benign

CeGaT Center for Human Genetics Tuebingen
Classification: Pathogenic. Last evaluated: 2024-10-01. Review status: criteria provided, single submitter. Criteria: CeGaT Center For Human Genetics Tuebingen Variant Classification Criteria Version 2. Collection method: clinical testing. Allele origin: germline. Affected: yes. Observed: 1 variant allele.
Comment: WASF1: PS2:Very Strong, PM2, PS4:Moderate, PS3:Supporting

Women's Health and Genetics/Laboratory Corporation of America, LabCorp
Classification: Pathogenic for Neurodevelopmental disorder with absent language and variable seizures. Last evaluated: 2023-03-26. Review status: criteria provided, single submitter. Criteria: LabCorp Variant Classification Summary - May 2015. Collection method: clinical testing. Allele origin: germline.
Comment: Variant summary: WASF1 c.1516C>T (p.Arg506X) results in a premature termination codon that has been reported to result in a truncation of the encoded protein (Ito_2018) and predicted to disrupt the C-terminal actin binding WCA domain. The variant was absent in 247760 control chromosomes. c.1516C>T has been reported in the literature as a recurrent de-novo variant in individuals affected with features of Neurodevelopmental Disorder With Absent Language And Variable Seizures (example, Ito_2018, Srivastava_2021, Shimojima_2021). These data indicate that the variant is likely to be associated with disease. At least one publication reports experimental evidence evaluating an impact on protein function reporting a defect in actin remodeling (Ito_2018). Five clinical diagnostic laboratories have submitted clinical-significance assessments for this variant to ClinVar after 2014 without evidence for independent evaluation. All laboratories classified the variant as pathogenic. Based on the evidence outlined above, the variant was classified as pathogenic.

Kasturba Medical College, Manipal, Kasturba Medical College, Manipal, Manipal Academy of Higher Education, Manipal, India
Classification: Pathogenic for Neurodevelopmental disorder with absent language and variable seizures. Last evaluated: 2023-01-23. Review status: criteria provided, single submitter. Criteria: ACMG Guidelines, 2015. Collection method: clinical testing. Allele origin: de novo. Affected: yes.

GeneDx
Classification: Pathogenic. Last evaluated: 2022-03-09. Review status: criteria provided, single submitter. Criteria: GeneDx Variant Classification Process June 2021. Collection method: clinical testing. Allele origin: germline. Affected: yes.
Comment: Nonsense variant predicted to result in protein truncation in a gene for which loss-of-function is not a known mechanism of disease; Not observed in large population cohorts (gnomAD); This variant is associated with the following publications: (PMID: 29961568, 34845217, 34356165)

Institute for Clinical Genetics, University Hospital TU Dresden, University Hospital TU Dresden
Classification: Pathogenic. Last evaluated: 2021-11-03. Review status: criteria provided, single submitter. Criteria: ACMG Guidelines, 2015. Collection method: clinical testing. Allele origin: germline.

Institute of Human Genetics, Heidelberg University
Classification: Pathogenic for Neurodevelopmental disorder with absent language and variable seizures. Last evaluated: 2021-06-07. Review status: criteria provided, single submitter. Criteria: ACMG Guidelines, 2015. Collection method: clinical testing. Allele origin: de novo. Affected: yes.

Clinical Genetics Service, Universitary Hospital 12 de Octubre
Classification: Pathogenic for Neurodevelopmental disorder with absent language and variable seizures. Review status: criteria provided, single submitter. Criteria: ACMG Guidelines, 2015. Collection method: clinical testing. Allele origin: de novo. Affected: yes.

OMIM
Classification: Pathogenic for NEURODEVELOPMENTAL DISORDER WITH ABSENT LANGUAGE AND VARIABLE SEIZURES. Last evaluated: 2019-12-20. Review status: no assertion criteria provided. Collection method: literature only. Allele origin: germline. Not counted in ClinVar's aggregate classification.

NIHR Bioresource Rare Diseases, University of Cambridge
Classification: Pathogenic for Intellectual disability. Last evaluated: 2018-01-01. Review status: no assertion criteria provided. Collection method: research. Allele origin: de novo. Inheritance: Autosomal dominant inheritance. Affected: yes. Observed: 3 heterozygotes. Not counted in ClinVar's aggregate classification.

Department of Rehabilitation, Children’s Hospital of Chongqing Medical University
Classification: Pathogenic for Neurodevelopmental disorder with absent language and variable seizures. Review status: no assertion criteria provided. Collection method: clinical testing. Allele origin: de novo. Inheritance: Autosomal dominant inheritance. Affected: yes. Observed: 2 heterozygotes. Not counted in ClinVar's aggregate classification.

Literature cited by the submitters: PubMed 29961568 (cited by 5 submitters); PubMed 34356165 (cited by Ambry Genetics and Women's Health and Genetics/Laboratory Corporation of America, LabCorp); PubMed 34845217 (cited by Ambry Genetics and Women's Health and Genetics/Laboratory Corporation of America, LabCorp); PubMed 37641121 (cited by Ambry Genetics).

NM_003931.3(WASF1):c.1516C>T (p.Arg506Ter)

Gene: WASF1 (WASP family member 1; minus strand). Cytogenetic location: 6q21.
Variant type: single nucleotide variant.
Coding change: c.1516C>T on transcript NM_003931.3 (MANE Select); coding-DNA position 1516, C replaced by T.
Protein change: p.Arg506Ter; replaces arginine 506 with a stop codon.
Molecular consequence: nonsense.
Genome position (GRCh38, 1-based): chr6:110,101,594, G>A on the plus strand (C>T on the coding strand, the complement: WASF1 is on the minus strand). VCF-style: chr6-110101594-G-A. GRCh37 (hg19) VCF-style: chr6-110422797-G-A.
Other names: c.1516C>T, p.Arg506Ter (NM_001024934.2, NM_001024935.2, NM_001024936.2); c.1516C>T (NM_001024936.1); short protein forms R506*.
Identifiers: ClinVar variation 561980 (VCV000561980.54), dbSNP rs1562159562, ClinGen allele CA365347020.